The following is an entry in ClinVar:

ClinVar aggregate classification (germline): Uncertain significance. Review status: criteria provided, multiple submitters, no conflicts (2 of 4 stars). 2 submissions from 2 submitters: Uncertain significance (2). Last evaluated 2025-03-01.

gnomAD v4.1: 2 of 1,613,284 alleles (0.00012%); highest among the groups gnomAD compares: African/African-American, 0.0013%; no homozygotes.

Submissions (2):

CeGaT Center for Human Genetics Tuebingen
Classification: Uncertain significance. Last evaluated: 2025-03-01. Review status: criteria provided, single submitter. Criteria: CeGaT Center For Human Genetics Tuebingen Variant Classification Criteria Version 2. Collection method: clinical testing. Allele origin: germline. Affected: yes. Observed: 1 variant allele.
Comment: RTN2: PM2:Supporting

Blueprint Genetics
Classification: Uncertain significance. Last evaluated: 2020-12-03. Review status: criteria provided, single submitter. Criteria: ACMG Guidelines, 2015. Collection method: clinical testing. Allele origin: germline.

NM_005619.5(RTN2):c.83G>A (p.Gly28Glu)

Genes: OPA3-RTN2 (OPA3-RTN2 readthrough; minus strand), RTN2 (reticulon 2; minus strand). Cytogenetic location: 19q13.32.
Variant type: single nucleotide variant.
Coding change: c.83G>A on transcript NM_005619.5 (MANE Select); coding-DNA position 83, G replaced by A.
Protein change: p.Gly28Glu; replaces glycine 28 with glutamic acid.
Molecular consequence: missense variant.
Genome position (GRCh38, 1-based): chr19:45,495,002, C>T on the plus strand (G>A on the coding strand, the complement: RTN2 is on the minus strand). VCF-style: chr19-45495002-C-T. GRCh37 (hg19) VCF-style: chr19-45998260-C-T.
Other names: c.83G>A, p.Gly28Glu (NM_206900.3); short protein forms G28E.
Identifiers: ClinVar variation 3778570 (VCV003778570.8).